The following is an entry in ClinVar:

ClinVar aggregate classification (germline): Likely benign. Review status: criteria provided, multiple submitters, no conflicts (2 of 4 stars). 7 submissions from 7 submitters: Likely benign (7). Last evaluated 2026-09-22.

Conditions:
PTPN11-related disorder. Also called: PTPN11-Related Disorders.
Cardiovascular phenotype. Identifiers: MedGen CN230736.
RASopathy. Also called: Noonan spectrum disorder; rasopathies. Identifiers: Orphanet 536391, MedGen C5555857, MONDO:0021060.
LEOPARD syndrome 1 (LPRD1). Also called: LENTIGINOSIS, CARDIOMYOPATHIC; MULTIPLE LENTIGINES SYNDROME; PTPN11-Related LEOPARD Syndrome. Identifiers: Orphanet 500, MedGen C4551484, MONDO:0100082, OMIM 151100.
Juvenile myelomonocytic leukemia (JMML). Also called: LEUKEMIA, JUVENILE MYELOMONOCYTIC, SOMATIC. Identifiers: Orphanet 86834, MedGen C0349639, MONDO:0011908, OMIM 607785, HP:0012209.
Noonan syndrome 1 (NS1). Also called: FEMALE PSEUDO-TURNER SYNDROME; TURNER PHENOTYPE WITH NORMAL KARYOTYPE; PTPN11-Related Noonan Syndrome. Identifiers: Orphanet 648, MedGen C4551602, MONDO:0008104, OMIM 163950. Disease mechanism: gain of function.
Metachondromatosis (METCDS). Identifiers: Orphanet 2499, MedGen C0410530, MONDO:0007979, OMIM 156250.

Allele frequency attached by ClinVar (database versions not stated): gnomAD 0.00001; ExAC 0.00002; TOPMed 0.00002; gnomAD exomes 0.00003 and 0.00005; ESP Exome Variant Server 0.00008.
gnomAD v4.1: 78 of 1,591,914 alleles (0.0049%); highest among the groups gnomAD compares: Non-Finnish European, 0.0066%; no homozygotes.

Submissions (7):

PreventionGenetics, part of Exact Sciences
Classification: Likely benign for PTPN11-related condition. Last evaluated: 2026-09-22. Review status: criteria provided, single submitter. Criteria: ACMG Guidelines, 2015. Collection method: clinical testing. Allele origin: germline.
Comment: This variant is classified as likely benign based on ACMG/AMP sequence variant interpretation guidelines (Richards et al. 2015 PMID: 25741868, with internal and published modifications).

Labcorp Genetics (formerly Invitae), Labcorp
Classification: Likely benign for RASopathy. Last evaluated: 2025-12-24. Review status: criteria provided, single submitter. Criteria: Invitae Variant Classification Sherloc (09022015). Collection method: clinical testing. Allele origin: germline.

Blueprint Genetics
Classification: Likely benign. Last evaluated: 2024-02-29. Review status: criteria provided, single submitter. Criteria: ACMG Guidelines, 2015. Collection method: clinical testing. Allele origin: germline.

CeGaT Center for Human Genetics Tuebingen
Classification: Likely benign. Last evaluated: 2023-10-01. Review status: criteria provided, single submitter. Criteria: CeGaT Center For Human Genetics Tuebingen Variant Classification Criteria Version 2. Collection method: clinical testing. Allele origin: germline. Affected: yes. Observed: 1 variant allele.
Comment: PTPN11: BP4, BP7

Ambry Genetics
Classification: Likely benign for Cardiovascular phenotype. Last evaluated: 2022-06-09. Review status: criteria provided, single submitter. Criteria: Ambry Variant Classification Scheme 2023. Collection method: clinical testing. Allele origin: germline.

Fulgent Genetics
Classification: Likely benign for LEOPARD syndrome 1; Metachondromatosis; Noonan syndrome 1; Juvenile myelomonocytic leukemia. Last evaluated: 2021-08-27. Review status: criteria provided, single submitter. Criteria: ACMG Guidelines, 2015. Collection method: clinical testing. Allele origin: unknown.

Women's Health and Genetics/Laboratory Corporation of America, LabCorp
Classification: Likely benign. Last evaluated: 2021-03-10. Review status: criteria provided, single submitter. Criteria: LabCorp Variant Classification Summary - May 2015. Collection method: clinical testing. Allele origin: germline.

NM_002834.5(PTPN11):c.1131A>C (p.Leu377=)

Gene: PTPN11 (protein tyrosine phosphatase non-receptor type 11; plus strand). Cytogenetic location: 12q24.13.
Variant type: single nucleotide variant.
Coding change: c.1131A>C on transcript NM_002834.5 (MANE Select); coding-DNA position 1131, A replaced by C.
Protein change: p.Leu377=; no amino-acid change (leucine 377 retained).
Molecular consequence: synonymous variant.
Genome position (GRCh38, 1-based): chr12:112,482,112, A>C. VCF-style: chr12-112482112-A-C. GRCh37 (hg19) VCF-style: chr12-112919916-A-C.
Other names: c.1131A>C, p.Leu377= (NM_001330437.2, NM_080601.3); c.1128A>C, p.Leu376= (NM_001374625.1).
Identifiers: ClinVar variation 1027635 (VCV001027635.37), dbSNP rs370059077, ClinGen allele CA6798727.